The following is an entry in ClinVar:

NM_006901.4(MYO9A):c.3578G>A (p.Gly1193Glu)

Gene: MYO9A (myosin IXA; minus strand). Cytogenetic location: 15q23.
Variant type: single nucleotide variant.
Coding change: c.3578G>A on transcript NM_006901.4 (MANE Select); coding-DNA position 3578, G replaced by A.
Protein change: p.Gly1193Glu; replaces glycine 1193 with glutamic acid.
Molecular consequence: missense variant.
Genome position (GRCh38, 1-based): chr15:71,898,925, C>T on the plus strand (G>A on the coding strand, the complement: MYO9A is on the minus strand). VCF-style: chr15-71898925-C-T. GRCh37 (hg19) VCF-style: chr15-72191266-C-T.
Other names: short protein forms G1193E.
Identifiers: ClinVar variation 1225670 (VCV001225670.9), dbSNP rs2415129, ClinGen allele CA7641533.

ClinVar aggregate classification (germline): Benign. Review status: criteria provided, multiple submitters, no conflicts (2 of 4 stars). 5 submissions from 5 submitters: Benign (4). 1 of the submissions does not count toward it. Last evaluated 2024-11-27.

Conditions:
Myasthenic syndrome, congenital, 24, presynaptic. Identifiers: MedGen C4748684, MONDO:0032597, OMIM 618198.
MYO9A-related disorder. Also called: MYO9A-related condition.

Allele frequency attached by ClinVar (database versions not stated): 1000 Genomes Project 0.89197; 1000 Genomes Project 30x 0.89397; TOPMed 0.92033; gnomAD 0.92238 and 0.92261; ESP Exome Variant Server 0.92411; ExAC 0.94469; gnomAD exomes 0.94780 and 0.96246.
gnomAD v4.1: 1,546,729 of 1,613,980 alleles (96%); highest among the groups gnomAD compares: Non-Finnish European, 97%; 742,907 homozygotes.

Submissions (5):

Blueprint Genetics
Classification: Benign. Last evaluated: 2024-11-27. Review status: criteria provided, single submitter. Criteria: ACMG Guidelines, 2015. Collection method: clinical testing. Allele origin: germline.

Genome-Nilou Lab
Classification: Benign for Myasthenic syndrome, congenital, 24, presynaptic. Last evaluated: 2021-09-05. Review status: criteria provided, single submitter. Criteria: ACMG Guidelines, 2015. Collection method: clinical testing. Allele origin: germline. Affected: no.

GeneDx
Classification: Benign. Last evaluated: 2021-05-04. Review status: criteria provided, single submitter. Criteria: GeneDx Variant Classification Process June 2021. Collection method: clinical testing. Allele origin: germline. Affected: yes.

Breakthrough Genomics
Classification: Benign. Review status: criteria provided, single submitter. Criteria: ACMG Guidelines, 2015. Collection method: not provided. Allele origin: germline. Inheritance: Autosomal recessive inheritance. Affected: yes.

PreventionGenetics, part of Exact Sciences
Classification: Benign for MYO9A-related condition. Last evaluated: 2019-05-22. Review status: no assertion criteria provided. Collection method: clinical testing. Allele origin: germline. Not counted in ClinVar's aggregate classification.
Comment: This variant is classified as benign based on ACMG/AMP sequence variant interpretation guidelines (Richards et al. 2015 PMID: 25741868, with internal and published modifications).